The following is an entry in ClinVar:

ClinVar aggregate classification (germline): Pathogenic/Likely pathogenic. Review status: criteria provided, multiple submitters, no conflicts (2 of 4 stars). 4 submissions from 4 submitters: Pathogenic (2); Likely pathogenic (2). Last evaluated 2026-01-26.

Conditions:
Meckel-Gruber syndrome. Also called: Dysencephalia splachnocystica; DYSENCEPHALIA SPLANCHNOCYSTICA; GRUBER SYNDROME. Identifiers: Orphanet 564, MedGen C0265215, MONDO:0018921.
Joubert syndrome. Also called: Familial aplasia of the vermis; JOUBERT-BOLTSHAUSER SYNDROME. Identifiers: Orphanet 475, MedGen C5979921, MONDO:0018772.
RPGRIP1L-related disorder. Also called: RPGRIP1L-related disorders; RPGRIP1L-related condition. Identifiers: MedGen CN239416.

Allele frequency attached by ClinVar (database versions not stated): gnomAD 0.00001; TOPMed 0.00001.
gnomAD v4.1: 2 of 1,614,056 alleles (0.00012%); highest among the groups gnomAD compares: African/African-American, 0.0027%; no homozygotes.

Submissions (4):

Natera, Inc.
Classification: Likely pathogenic for Joubert syndrome. Last evaluated: 2026-01-26. Review status: criteria provided, single submitter. Criteria: Natera Variant Classification Schema (03/2026). Collection method: clinical testing. Allele origin: germline.
Comment: The c.1905T>G variant in RPGRIP1L is a nonsense variant predicted to introduce a stop codon at amino acid 635. This variant is expected to result in nonsense mediated decay, truncation, or a dysfunctional protein product. This variant is rare in the general population with a frequency below the threshold expected for the associated phenotype(s). Given the available evidence, this variant is classified as Likely Pathogenic.

GeneDx
Classification: Pathogenic. Last evaluated: 2022-12-20. Review status: criteria provided, single submitter. Criteria: GeneDx Variant Classification Process June 2021. Collection method: clinical testing. Allele origin: germline. Affected: yes.
Comment: Nonsense variant predicted to result in protein truncation or nonsense mediated decay in a gene for which loss-of-function is a known mechanism of disease; Not observed at significant frequency in large population cohorts (gnomAD); Has not been previously published as pathogenic or benign to our knowledge

Labcorp Genetics (formerly Invitae), Labcorp
Classification: Pathogenic for Joubert syndrome; Meckel-Gruber syndrome. Last evaluated: 2022-11-01. Review status: criteria provided, single submitter. Criteria: Invitae Variant Classification Sherloc (09022015). Collection method: clinical testing. Allele origin: germline.
Comment: For these reasons, this variant has been classified as Pathogenic. This sequence change creates a premature translational stop signal (p.Tyr635*) in the RPGRIP1L gene. It is expected to result in an absent or disrupted protein product. Loss-of-function variants in RPGRIP1L are known to be pathogenic (PMID: 17558409). This variant is present in population databases (no rsID available, gnomAD 0.007%). This variant has not been reported in the literature in individuals affected with RPGRIP1L-related conditions. ClinVar contains an entry for this variant (Variation ID: 1453455).

Blueprint Genetics
Classification: Likely pathogenic for RPGRIP1L-related disorders. Last evaluated: 2019-07-23. Review status: criteria provided, single submitter. Criteria: ACMG Guidelines, 2015. Collection method: clinical testing. Allele origin: germline. Affected: yes. Observed: 1 variant allele.

Literature cited by the submitters: PubMed 17558409 (cited by Labcorp Genetics (formerly Invitae), Labcorp).

NM_015272.5(RPGRIP1L):c.1905T>G (p.Tyr635Ter)

Gene: RPGRIP1L (RPGRIP1 like; minus strand). Cytogenetic location: 16q12.2.
Variant type: single nucleotide variant.
Coding change: c.1905T>G on transcript NM_015272.5 (MANE Select); coding-DNA position 1905, T replaced by G.
Protein change: p.Tyr635Ter; replaces tyrosine 635 with a stop codon.
Molecular consequence: nonsense.
Genome position (GRCh38, 1-based): chr16:53,652,782, A>C on the plus strand (T>G on the coding strand, the complement: RPGRIP1L is on the minus strand). VCF-style: chr16-53652782-A-C. GRCh37 (hg19) VCF-style: chr16-53686694-A-C.
Other names: c.1905T>G (NM_015272.4); c.1905T>G, p.Tyr635Ter (NM_001308334.3, NM_001330538.2, NM_001127897.4); short protein forms Y635*.
Identifiers: ClinVar variation 1453455 (VCV001453455.9), dbSNP rs1353551542, ClinGen allele CA395917068.